The following is an entry in ClinVar:

NM_003382.5(VIPR2):c.1005G>A (p.Pro335=)

Gene: VIPR2 (vasoactive intestinal peptide receptor 2; minus strand). Cytogenetic location: 7q36.3.
Variant type: single nucleotide variant.
Coding change: c.1005G>A on transcript NM_003382.5 (MANE Select); coding-DNA position 1005, G replaced by A.
Protein change: p.Pro335=; no amino-acid change (proline 335 retained).
Molecular consequence: synonymous variant. On other transcripts: non-coding transcript variant (1).
Genome position (GRCh38, 1-based): chr7:159,032,034, C>T on the plus strand (G>A on the coding strand, the complement: VIPR2 is on the minus strand). VCF-style: chr7-159032034-C-T. GRCh37 (hg19) VCF-style: chr7-158824725-C-T.
Other names: c.765G>A, p.Pro255= (NM_001304522.2); c.957G>A, p.Pro319= (NM_001308259.1).
Identifiers: ClinVar variation 710208 (VCV000710208.26), dbSNP rs142898881, ClinGen allele CA4595359.

ClinVar aggregate classification (germline): Benign/Likely benign. Review status: criteria provided, multiple submitters, no conflicts (2 of 4 stars). 3 submissions from 3 submitters: Benign (2); Likely benign (1). Last evaluated 2024-01-01.

Allele frequency attached by ClinVar (database versions not stated): 1000 Genomes Project 30x 0.00078; 1000 Genomes Project 0.00100; gnomAD 0.00364 and 0.00374; gnomAD exomes 0.00391; ExAC 0.00393; TOPMed 0.00417; ESP Exome Variant Server 0.00546.
gnomAD v4.1: 10,229 of 1,614,058 alleles (0.63%); highest among the groups gnomAD compares: Non-Finnish European, 0.78%; 50 homozygotes.

Submissions (3):

CeGaT Center for Human Genetics Tuebingen
Classification: Likely benign. Last evaluated: 2024-01-01. Review status: criteria provided, single submitter. Criteria: CeGaT Center For Human Genetics Tuebingen Variant Classification Criteria Version 2. Collection method: clinical testing. Allele origin: germline. Affected: yes. Observed: 1 variant allele.
Comment: VIPR2: BP4, BP7, BS2

Labcorp Genetics (formerly Invitae), Labcorp
Classification: Benign. Last evaluated: 2018-02-13. Review status: criteria provided, single submitter. Criteria: Invitae Variant Classification Sherloc (09022015). Collection method: clinical testing. Allele origin: germline.

Breakthrough Genomics
Classification: Benign. Review status: criteria provided, single submitter. Criteria: ACMG Guidelines, 2015. Collection method: not provided. Allele origin: germline. Inheritance: Unknown mechanism. Affected: yes.